The following is an entry in ClinVar:

ClinVar aggregate classification (germline): Uncertain significance (1 of 4 stars; one submission).

gnomAD v4.1: 5 of 1,613,898 alleles (0.00031%); highest among the groups gnomAD compares: Non-Finnish European, 0.00042%; no homozygotes.

Submission:

Labcorp Genetics (formerly Invitae), Labcorp
Classification: Uncertain significance. Last evaluated: 2025-07-31. Review status: criteria provided, single submitter. Criteria: Invitae Variant Classification Sherloc (09022015). Collection method: clinical testing. Allele origin: germline.
Comment: This sequence change replaces cysteine, which is neutral and slightly polar, with phenylalanine, which is neutral and non-polar, at codon 672 of the GSN protein (p.Cys672Phe). This variant is present in population databases (rs767748615, gnomAD 0.005%). This variant has not been reported in the literature in individuals affected with GSN-related conditions. Invitae Evidence Modeling of protein sequence and biophysical properties (such as structural, functional, and spatial information, amino acid conservation, physicochemical variation, residue mobility, and thermodynamic stability) indicates that this missense variant is expected to disrupt GSN protein function with a positive predictive value of 80%. In summary, the available evidence is currently insufficient to determine the role of this variant in disease. Therefore, it has been classified as a Variant of Uncertain Significance.

NM_198252.3(GSN):c.1862G>T (p.Cys621Phe)

Gene: GSN (gelsolin; plus strand). Cytogenetic location: 9q33.2.
Variant type: single nucleotide variant.
Coding change: c.1862G>T on transcript NM_198252.3 (MANE Select); coding-DNA position 1862, G replaced by T.
Protein change: p.Cys621Phe; replaces cysteine 621 with phenylalanine.
Molecular consequence: missense variant.
Genome position (GRCh38, 1-based): chr9:121,328,990, G>T. VCF-style: chr9-121328990-G-T. GRCh37 (hg19) VCF-style: chr9-124091268-G-T.
Other names: c.1895G>T, p.Cys632Phe (NM_001353065.2, NM_001353066.2, NM_001353067.2 and 13 more transcripts); c.1934G>T, p.Cys645Phe (NM_001353076.2); c.1208G>T, p.Cys403Phe (NM_001353078.2); c.2015G>T, p.Cys672Phe (NM_000177.5); c.1862G>T, p.Cys621Phe (NM_001127662.2, NM_001127664.2, NM_001127665.2 and 10 more transcripts); c.1970G>T, p.Cys657Phe (NM_001127663.2); c.1913G>T, p.Cys638Phe (NM_001258029.2); c.1886G>T, p.Cys629Phe (NM_001258030.2); short protein forms C629F, C645F, C672F, C403F, C638F, C657F, C621F, C632F.
Identifiers: ClinVar variation 4761643 (VCV004761643.1).